The following is an entry in ClinVar:

ClinVar aggregate classification (germline): Likely benign (1 of 4 stars; one submission).

Allele frequency attached by ClinVar (database versions not stated): 1000 Genomes Project 30x 0.00265; TOPMed 0.00479; gnomAD 0.00566; 1000 Genomes Project 0.00260.

Submission:

CeGaT Center for Human Genetics Tuebingen
Classification: Likely benign. Last evaluated: 2022-04-01. Review status: criteria provided, single submitter. Criteria: CeGaT Center For Human Genetics Tuebingen Variant Classification Criteria Version 2. Collection method: clinical testing. Allele origin: germline. Affected: yes. Observed: 1 variant allele.
Comment: ZNF806: BP4, BP7

NC_000002.12:g.132318019G>A

Gene: ZNF806 (zinc finger protein 806; plus strand). Cytogenetic location: 2q21.2.
Variant type: single nucleotide variant.
Genome position: GRCh38 VCF-style: chr2-132318019-G-A. GRCh37 (hg19) VCF-style: chr2-133075592-G-A.
Identifiers: ClinVar variation 2651377 (VCV002651377.24), dbSNP rs377516574, ClinGen allele CA56312749.
Genomic context (GRCh38, chr2:132,318,019, plus strand): 5'-CAACCATCATCGAGTCCACACAGGGGAGATGCCCTACAAATGCCACGTATGTGGGAAAGC[G>A]TTTGGATTTAGGTCACTTCCTTGTATTCATCAGGGAGTACACACAGGGAAAAAGCCCTAC-3'